The following is an entry in ClinVar:

ClinVar aggregate classification (germline): Likely benign. Review status: criteria provided, multiple submitters, no conflicts (2 of 4 stars). 5 submissions from 5 submitters: Likely benign (5). Last evaluated 2026-09-10.

Conditions:
Episodic pain syndrome, familial, 2 (FEPS2). Identifiers: Orphanet 306577, MedGen C3809893, MONDO:0014246, OMIM 615551.
Brugada syndrome. Also called: Sudden unexpected nocturnal death syndrome; Sudden unexplained nocturnal death syndrome; Sudden Unexplained Death Syndrome; Sudden Unexplained Nocturnal Death Syndrome (SUNDS). Identifiers: Orphanet 130, MedGen C1142166, MONDO:0015263.
SCN10A-related disorder. Also called: SCN10A-related condition.
Cardiovascular phenotype. Identifiers: MedGen CN230736.

Allele frequency attached by ClinVar (database versions not stated): gnomAD exomes 0.00003; TOPMed 0.00004; ExAC 0.00005.
gnomAD v4.1: 49 of 1,594,082 alleles (0.0031%); highest among the groups gnomAD compares: Middle Eastern, 0.016%; no homozygotes.

Submissions (5):

PreventionGenetics, part of Exact Sciences
Classification: Likely benign for SCN10A-related condition. Last evaluated: 2026-09-10. Review status: criteria provided, single submitter. Criteria: ACMG Guidelines, 2015. Collection method: clinical testing. Allele origin: germline.
Comment: This variant is classified as likely benign based on ACMG/AMP sequence variant interpretation guidelines (Richards et al. 2015 PMID: 25741868, with internal and published modifications).

Labcorp Genetics (formerly Invitae), Labcorp
Classification: Likely benign for Brugada syndrome. Last evaluated: 2025-09-11. Review status: criteria provided, single submitter. Criteria: Invitae Variant Classification Sherloc (09022015). Collection method: clinical testing. Allele origin: germline.

Blueprint Genetics
Classification: Likely benign. Last evaluated: 2023-01-17. Review status: criteria provided, single submitter. Criteria: ACMG Guidelines, 2015. Collection method: clinical testing. Allele origin: germline.

Fulgent Genetics
Classification: Likely benign for Episodic pain syndrome, familial, 2. Last evaluated: 2021-09-24. Review status: criteria provided, single submitter. Criteria: ACMG Guidelines, 2015. Collection method: clinical testing. Allele origin: unknown.

Ambry Genetics
Classification: Likely benign for Cardiovascular phenotype. Last evaluated: 2021-05-18. Review status: criteria provided, single submitter. Criteria: Ambry Variant Classification Scheme 2023. Collection method: clinical testing. Allele origin: germline.

NM_006514.4(SCN10A):c.3237C>T (p.Asp1079=)

Genes: SCN10A (sodium voltage-gated channel alpha subunit 10; minus strand), LOC110121288 (VISTA enhancer hs2268; plus strand). Cytogenetic location: 3p22.2.
Variant type: single nucleotide variant.
Coding change: c.3237C>T on transcript NM_006514.4 (MANE Select); coding-DNA position 3237, C replaced by T.
Protein change: p.Asp1079=; no amino-acid change (aspartic acid 1079 retained).
Molecular consequence: synonymous variant.
Genome position (GRCh38, 1-based): chr3:38,723,545, G>A on the plus strand (C>T on the coding strand, the complement: SCN10A is on the minus strand). VCF-style: chr3-38723545-G-A. GRCh37 (hg19) VCF-style: chr3-38765036-G-A.
Other names: c.3234C>T, p.Asp1078= (NM_001293306.2); c.2943C>T, p.Asp981= (NM_001293307.2).
Identifiers: ClinVar variation 532170 (VCV000532170.15), dbSNP rs745921364, ClinGen allele CA2320295.